The following is an entry in ClinVar:

NM_198525.3(KIF7):c.3977G>A (p.Arg1326Gln)

Gene: KIF7 (kinesin family member 7; minus strand). Cytogenetic location: 15q26.1.
Variant type: single nucleotide variant.
Coding change: c.3977G>A on transcript NM_198525.3 (MANE Select); coding-DNA position 3977, G replaced by A.
Protein change: p.Arg1326Gln; replaces arginine 1326 with glutamine.
Molecular consequence: missense variant.
Genome position (GRCh38, 1-based): chr15:89,628,474, C>T on the plus strand (G>A on the coding strand, the complement: KIF7 is on the minus strand). VCF-style: chr15-89628474-C-T. GRCh37 (hg19) VCF-style: chr15-90171705-C-T.
Other names: short protein forms R1326Q.
Identifiers: ClinVar variation 1327739 (VCV001327739.7), dbSNP rs141225908, ClinGen allele CA7727460.

ClinVar aggregate classification (germline): Uncertain significance. Review status: criteria provided, multiple submitters, no conflicts (2 of 4 stars). 2 submissions from 2 submitters: Uncertain significance (2). Last evaluated 2023-10-19.

Conditions:
Acrocallosal syndrome (ACLS). Also called: HALLUX DUPLICATION, POSTAXIAL POLYDACTYLY, AND ABSENCE OF CORPUS CALLOSUM; Schinzel syndrome 1; Absence of corpus callosum with unusual facial appearance, mental deficiency, duplication of the halluces and polydactyly. Identifiers: Orphanet 36, MedGen C0796147, MONDO:0008708, OMIM 200990.

Allele frequency attached by ClinVar (database versions not stated): gnomAD exomes 0.00002 and 0.00004; TOPMed 0.00003; ExAC 0.00004; gnomAD 0.00004 and 0.00005; ESP Exome Variant Server 0.00008.
gnomAD v4.1: 38 of 1,611,230 alleles (0.0024%); highest among the groups gnomAD compares: East Asian, 0.022%; no homozygotes.

Submissions (2):

GeneDx
Classification: Uncertain significance. Last evaluated: 2023-10-19. Review status: criteria provided, single submitter. Criteria: GeneDx Variant Classification Process June 2021. Collection method: clinical testing. Allele origin: germline. Affected: yes.
Comment: Identified in an individual with heterotaxy in published literature (Liang et al., 2020); In silico analysis supports that this missense variant does not alter protein structure/function; This variant is associated with the following publications: (PMID: 32738303)

Labcorp Genetics (formerly Invitae), Labcorp
Classification: Uncertain significance for Acrocallosal syndrome. Last evaluated: 2022-10-03. Review status: criteria provided, single submitter. Criteria: Invitae Variant Classification Sherloc (09022015). Collection method: clinical testing. Allele origin: germline.
Comment: This sequence change replaces arginine, which is basic and polar, with glutamine, which is neutral and polar, at codon 1326 of the KIF7 protein (p.Arg1326Gln). This variant is present in population databases (rs141225908, gnomAD 0.03%). This variant has not been reported in the literature in individuals affected with KIF7-related conditions. ClinVar contains an entry for this variant (Variation ID: 1327739). Advanced modeling of protein sequence and biophysical properties (such as structural, functional, and spatial information, amino acid conservation, physicochemical variation, residue mobility, and thermodynamic stability) performed at Invitae indicates that this missense variant is not expected to disrupt KIF7 protein function. Algorithms developed to predict the effect of sequence changes on RNA splicing suggest that this variant may create or strengthen a splice site. In summary, the available evidence is currently insufficient to determine the role of this variant in disease. Therefore, it has been classified as a Variant of Uncertain Significance.